The following is an entry in ClinVar:

ClinVar aggregate classification (germline): Conflicting classifications of pathogenicity. Review status: criteria provided, conflicting classifications (1 of 4 stars). 8 submissions from 8 submitters: Uncertain significance (1); Benign (3); Likely benign (3). 1 of the submissions does not count toward it. Last evaluated 2026-01-19.

Conditions:
TSC2-related disorder. Also called: TSC2-Related Disorders; TSC2-related condition.
Hereditary cancer-predisposing syndrome. Also called: Tumor predisposition; Hereditary Cancer Syndrome; Hereditary neoplastic syndrome; Neoplastic Syndromes, Hereditary. Identifiers: Orphanet 140162, MedGen C0027672, MeSH D009386, MONDO:0015356.
Tuberous sclerosis syndrome (TSC). Also called: Tuberous Sclerosis Complex; Tuberous sclerosis. Identifiers: Orphanet 805, MedGen C0041341, MONDO:0001734.
Tuberous sclerosis 2 (TSC2). Identifiers: Orphanet 805, MedGen C1860707, MONDO:0013199, OMIM 613254.

Allele frequency attached by ClinVar (database versions not stated): gnomAD exomes 0.00004 and 0.00005; gnomAD 0.00006; ExAC 0.00007; ESP Exome Variant Server 0.00008; TOPMed 0.00005.
gnomAD v4.1: 59 of 1,612,656 alleles (0.0037%); highest among the groups gnomAD compares: South Asian, 0.018%; no homozygotes.

Submissions (8):

Labcorp Genetics (formerly Invitae), Labcorp
Classification: Benign for Tuberous sclerosis 2. Last evaluated: 2026-01-19. Review status: criteria provided, single submitter. Criteria: Invitae Variant Classification Sherloc (09022015). Collection method: clinical testing. Allele origin: germline.

Myriad Genetics, Inc.
Classification: Benign for Tuberous sclerosis 2. Last evaluated: 2025-06-06. Review status: criteria provided, single submitter. Criteria: Myriad Autosomal Dominant, Autosomal Recessive and X-Linked Classification Criteria (2023). Collection method: clinical testing. Allele origin: unknown.
Comment: This variant is considered benign. This variant is a silent/synonymous amino acid change and it is not expected to impact splicing.

Color Diagnostics, LLC DBA Color Health
Classification: Likely benign for Tuberous sclerosis syndrome. Last evaluated: 2024-04-17. Review status: criteria provided, single submitter. Criteria: ACMG Guidelines, 2015. Collection method: clinical testing. Allele origin: germline.

Genome-Nilou Lab
Classification: Benign for Tuberous sclerosis 2. Last evaluated: 2021-11-07. Review status: criteria provided, single submitter. Criteria: ACMG Guidelines, 2015. Collection method: clinical testing. Allele origin: germline. Affected: no.

Sema4
Classification: Uncertain significance for Hereditary cancer-predisposing syndrome. Last evaluated: 2021-09-13. Review status: criteria provided, single submitter. Criteria: Sema4 Curation Guidelines. Collection method: curation. Allele origin: germline.
Comment: The TSC2 c.5265C>T (p.C1755=) variant has not been reported in the literature to our knowledge. It was observed in 5/30612chromosomes of the South Asian subpopulation in the large and broad cohorts of the Genome Aggregation Database (PMID: 32461654). The variant has been reported in ClinVar (Variation ID 184400). In silico tools suggest that the variant may create or strengthen a cryptic splice site, though these predictions have not been confirmed by functional studies. The evidence is insufficient to meet ACMG/AMP criteria for classifying the variant as benign or pathogenic. Thus, the clinical significance of this variant is currently uncertain.

GeneDx
Classification: Likely benign. Last evaluated: 2020-12-17. Review status: criteria provided, single submitter. Criteria: GeneDx Variant Classification Process June 2021. Collection method: clinical testing. Allele origin: germline. Affected: yes.

Ambry Genetics
Classification: Likely benign for Hereditary cancer-predisposing syndrome. Last evaluated: 2014-12-12. Review status: criteria provided, single submitter. Criteria: Ambry Variant Classification Scheme 2023. Collection method: clinical testing. Allele origin: germline.

PreventionGenetics, part of Exact Sciences
Classification: Likely benign for TSC2-related condition. Last evaluated: 2022-08-12. Review status: no assertion criteria provided. Collection method: clinical testing. Allele origin: germline. Not counted in ClinVar's aggregate classification.
Comment: This variant is classified as likely benign based on ACMG/AMP sequence variant interpretation guidelines (Richards et al. 2015 PMID: 25741868, with internal and published modifications).

NM_000548.5(TSC2):c.5265C>T (p.Cys1755=)

Gene: TSC2 (TSC complex subunit 2; plus strand). Cytogenetic location: 16p13.3.
Variant type: single nucleotide variant.
Coding change: c.5265C>T on transcript NM_000548.5 (MANE Select); coding-DNA position 5265, C replaced by T.
Protein change: p.Cys1755=; no amino-acid change (cysteine 1755 retained).
Molecular consequence: synonymous variant.
Genome position (GRCh38, 1-based): chr16:2,088,451, C>T. VCF-style: chr16-2088451-C-T. GRCh37 (hg19) VCF-style: chr16-2138452-C-T.
Other names: c.5064C>T, p.Cys1688= (NM_001077183.3); c.5196C>T, p.Cys1732= (NM_001114382.3); c.4956C>T, p.Cys1652= (NM_001318827.2); c.4920C>T, p.Cys1640= (NM_001318829.2); c.4533C>T, p.Cys1511= (NM_001318831.2); c.5097C>T, p.Cys1699= (NM_001318832.2); c.5067C>T, p.Cys1689= (NM_001363528.2); c.5133C>T, p.Cys1711= (NM_001370404.1); and 3 more.
Identifiers: ClinVar variation 184400 (VCV000184400.24), dbSNP rs141449031, ClinGen allele CA022344.